The following is an entry in ClinVar:

ClinVar aggregate classification (germline): Pathogenic (1 of 4 stars; one submission).

Submission:

CeGaT Center for Human Genetics Tuebingen
Classification: Pathogenic. Last evaluated: 2025-07-01. Review status: criteria provided, single submitter. Criteria: CeGaT Center For Human Genetics Tuebingen Variant Classification Criteria Version 2. Collection method: clinical testing. Allele origin: germline. Affected: yes. Observed: 1 variant allele.
Comment: KMT2D: PVS1, PM2

NM_003482.4(KMT2D):c.11185C>T (p.Gln3729Ter)

Gene: KMT2D (lysine methyltransferase 2D; minus strand). Cytogenetic location: 12q13.12.
Variant type: single nucleotide variant.
Coding change: c.11185C>T on transcript NM_003482.4 (MANE Select); coding-DNA position 11185, C replaced by T.
Protein change: p.Gln3729Ter; replaces glutamine 3729 with a stop codon.
Molecular consequence: nonsense.
Genome position (GRCh38, 1-based): chr12:49,033,520, G>A on the plus strand (C>T on the coding strand, the complement: KMT2D is on the minus strand). VCF-style: chr12-49033520-G-A. GRCh37 (hg19) VCF-style: chr12-49427303-G-A.
Other names: short protein forms Q3729*.
Identifiers: ClinVar variation 4085317 (VCV004085317.8).